The following is an entry in ClinVar:

ClinVar aggregate classification (germline): Likely pathogenic (1 of 4 stars; one submission).

Conditions:
Erythrocyte AMP deaminase deficiency. Identifiers: Orphanet 45, MedGen C2752073, OMIM 612874, MONDO:0020734.

Submission:

First Genomix Gene Laboratory, Genetic Diagnostics Department
Classification: Likely pathogenic for Erythrocyte AMP deaminase deficiency. Last evaluated: 2025-04-18. Review status: criteria provided, single submitter. Criteria: ACMG Guidelines, 2015. Collection method: clinical testing. Allele origin: germline. Inheritance: Autosomal recessive inheritance. Affected: no. Observed: 1 variant allele.

NM_001025389.2(AMPD3):c.648dup (p.Asn217fs)

Gene: AMPD3 (adenosine monophosphate deaminase 3; plus strand). Cytogenetic location: 11p15.4.
Variant type: Duplication.
Coding change: c.648dup on transcript NM_001025389.2 (MANE Select); coding-DNA position 648, one base duplicated (C; older notation c.648dupC).
Protein change: p.Asn217fs; shifts the reading frame from asparagine 217.
Molecular consequence: frameshift variant.
Genome position (GRCh38, 1-based): chr11:10,484,878, C duplicated; the last of 6 consecutive C bases (chr11:10,484,873-10,484,878); duplicating any one gives the same sequence. VCF-style (leftmost placement, unchanged base first): chr11-10484872-A-AC. GRCh37 (hg19) VCF-style: chr11-10506419-A-AC.
Other names: c.675dup, p.Asn226fs (NM_000480.3); c.669dup, p.Asn224fs (NM_001025390.2); c.648dup, p.Asn217fs (NM_001172430.1); c.171dup, p.Asn58fs (NM_001172431.2); c.648dupC (NM_001025389.2); short protein forms N217fs, N224fs, N226fs, N58fs.
Identifiers: ClinVar variation 4526607 (VCV004526607.1).